The following continues an entry in ClinVar:

NM_001083614.2(EARS2):c.322C>T (p.Arg108Trp)

Gene: EARS2. ClinVar aggregate classification (germline): Pathogenic/Likely pathogenic. Pathogenic (13); Likely pathogenic (3).

Submissions 10 to 17 of 17:

3billion
Classification: Pathogenic for Leukoencephalopathy-thalamus and brainstem anomalies-high lactate syndrome. Last evaluated: 2022-09-01. Review status: criteria provided, single submitter. Criteria: ACMG Guidelines, 2015. Collection method: clinical testing. Allele origin: germline. Affected: yes. Observed: 1 homozygote.
Comment: The variant is observed at an extremely low frequency in the gnomAD v2.1.1 dataset (total allele frequency: 0.015%). It is located in a mutational hot spot and/or well-established functional domain in which established pathogenic variants have been reported. Missense changes are a common disease-causing mechanism. Same nucleotide change resulting in same amino acid change has been previously reported as pathogenic/likely pathogenic with strong evidence (ClinVar ID: VCV000039787). The variant has been reported to be in trans with a pathogenic variant as either compound heterozygous or homozygous in at least 2 similarly affected unrelated individuals (PMID: 22492562). Therefore, this variant is classified as Pathogenic according to the recommendation of ACMG/AMP guideline.

GeneDx
Classification: Pathogenic. Last evaluated: 2022-03-29. Review status: criteria provided, single submitter. Criteria: GeneDx Variant Classification Process June 2021. Collection method: clinical testing. Allele origin: germline. Affected: yes.
Comment: In silico analysis supports that this missense variant has a deleterious effect on protein structure/function; This variant is associated with the following publications: (PMID: 27571996, 27875839, 33855712, 33972171, 22492562, 26893310, 25058219, 27374853, 31520968, 34440436)

Fulgent Genetics
Classification: Pathogenic for Leukoencephalopathy-thalamus and brainstem anomalies-high lactate syndrome. Last evaluated: 2022-01-14. Review status: criteria provided, single submitter. Criteria: ACMG Guidelines, 2015. Collection method: clinical testing. Allele origin: unknown.

Ambry Genetics
Classification: Pathogenic for Inborn genetic diseases. Last evaluated: 2017-09-11. Review status: criteria provided, single submitter. Criteria: Ambry exome assertion method (8-5-2015). Collection method: clinical testing. Allele origin: germline. Affected: yes. Observed: 1 variant allele.

Eurofins Ntd Llc (ga)
Classification: Pathogenic. Last evaluated: 2017-06-07. Review status: criteria provided, single submitter. Criteria: EGL Classification Definitions 2015. Collection method: clinical testing. Allele origin: germline. Observed: 1 variant allele, 1 heterozygote.

Centre for Mendelian Genomics, University Medical Centre Ljubljana
Classification: Pathogenic for Abnormal facial shape; Abnormal pinna morphology; Bilateral tonic-clonic seizure; Global developmental delay; High palate; Limb tremor; Motor delay; Prominent forehead; Seizure. Last evaluated: 2017-01-01. Review status: criteria provided, single submitter. Criteria: ACMG Guidelines, 2015. Collection method: clinical testing. Allele origin: unknown. Affected: yes.

Center for Pediatric Genomic Medicine, Children's Mercy Hospital and Clinics
Classification: Likely pathogenic. Last evaluated: 2016-09-13. Review status: criteria provided, single submitter. Criteria: ACMG Guidelines, 2015. Collection method: clinical testing. Allele origin: germline.

OMIM
Classification: Pathogenic for COMBINED OXIDATIVE PHOSPHORYLATION DEFICIENCY 12. Last evaluated: 2012-05-01. Review status: no assertion criteria provided. Collection method: literature only. Allele origin: germline. Not counted in ClinVar's aggregate classification.

Literature cited by the submitters: PubMed 22492562 (cited by 8 submitters); PubMed 25058219 (cited by 3 submitters); PubMed 26893310 (cited by 4 submitters); PubMed 31520968 (cited by Mayo Clinic Laboratories, Mayo Clinic and Rady Children's Institute for Genomic Medicine, Rady Children's Hospital San Diego); PubMed 33972171 (cited by Mayo Clinic Laboratories, Mayo Clinic and Rady Children's Institute for Genomic Medicine, Rady Children's Hospital San Diego); PubMed 34440436 (cited by Mayo Clinic Laboratories, Mayo Clinic and Rady Children's Institute for Genomic Medicine, Rady Children's Hospital San Diego); PubMed 39173847 (cited by Mayo Clinic Laboratories, Mayo Clinic and Rady Children's Institute for Genomic Medicine, Rady Children's Hospital San Diego); PubMed 33855712 (cited by Dasa); PubMed 37975900 (cited by Rady Children's Institute for Genomic Medicine, Rady Children's Hospital San Diego); PubMed 38523675 (cited by Rady Children's Institute for Genomic Medicine, Rady Children's Hospital San Diego).